The following is an entry in ClinVar:

NM_012210.4(TRIM32):c.1569T>C (p.Ala523=)

Genes: ASTN2 (astrotactin 2; minus strand), TRIM32 (tripartite motif containing 32; plus strand). Cytogenetic location: 9q33.1.
Variant type: single nucleotide variant.
Coding change: c.1569T>C on transcript NM_012210.4 (MANE Select); coding-DNA position 1569, T replaced by C.
Protein change: p.Ala523=; no amino-acid change (alanine 523 retained).
Molecular consequence: synonymous variant. On other transcripts: intron variant (3).
Genome position (GRCh38, 1-based): chr9:116,699,311, T>C. VCF-style: chr9-116699311-T-C. GRCh37 (hg19) VCF-style: chr9-119461590-T-C.
Other names: c.1569T>C, p.Ala523= (NM_001099679.2, NM_001379048.1, NM_001379049.1 and 1 more transcripts); c.2653+26460A>G (NM_014010.5); c.2794+26460A>G (NM_001365069.1); c.2806+26460A>G (NM_001365068.1).
Identifiers: ClinVar variation 3010391 (VCV003010391.4), dbSNP rs1861055085, ClinGen allele CA466916967.
Genomic context (GRCh38, chr9:116,699,311, plus strand): 5'-GGTGGTCAAATACAGCTGCCTATGTAGTGCTGTGCGGCCCAAATTTGTCACCTGTGATGC[T>C]GAGGGCACCGTCTACTTCACCCAGGGCTTAGGCCTCAATCTGGAGAATCGGCAGAATGAG-3'
Protein context (NP_036342.2, residues 513-533): AVRPKFVTCD[Ala523=]EGTVYFTQGL

ClinVar aggregate classification (germline): Likely benign. Review status: criteria provided, multiple submitters, no conflicts (2 of 4 stars). 2 submissions from 2 submitters: Likely benign (2). Last evaluated 2026-08-22.

Conditions:
Bardet-Biedl syndrome (BBS). Identifiers: Orphanet 110, MedGen C0752166, MONDO:0015229.
TRIM32-related disorder. Also called: TRIM32-related condition.

Allele frequency attached by ClinVar (database versions not stated): TOPMed below 0.00001; gnomAD 0.00001.
gnomAD v4.1: 2 of 1,614,102 alleles (0.00012%); highest among the groups gnomAD compares: African/African-American, 0.0013%; no homozygotes.

Submissions (2):

PreventionGenetics, part of Exact Sciences
Classification: Likely benign for TRIM32-related condition. Last evaluated: 2026-08-22. Review status: criteria provided, single submitter. Criteria: ACMG Guidelines, 2015. Collection method: clinical testing. Allele origin: germline.
Comment: This variant is classified as likely benign based on ACMG/AMP sequence variant interpretation guidelines (Richards et al. 2015 PMID: 25741868, with internal and published modifications).

Labcorp Genetics (formerly Invitae), Labcorp
Classification: Likely benign for Bardet-Biedl syndrome. Last evaluated: 2023-11-25. Review status: criteria provided, single submitter. Criteria: Invitae Variant Classification Sherloc (09022015). Collection method: clinical testing. Allele origin: germline.